The following is an entry in ClinVar:

ClinVar aggregate classification (germline): Benign/Likely benign. Review status: criteria provided, multiple submitters, no conflicts (2 of 4 stars). 5 submissions from 5 submitters: Benign (1); Likely benign (3). 1 of the submissions does not count toward it. Last evaluated 2026-09-01.

Conditions:
Charcot-Marie-Tooth disease. Also called: Charcot-Marie-Tooth Neuropathy; Charcot-Marie-Tooth Hereditary Neuropathy. Identifiers: Orphanet 166, MedGen C0007959, MONDO:0015626.
KIF1B-related disorder. Also called: KIF1B-related condition.
Neuroblastoma (NB). Identifiers: Orphanet 635, MedGen C0027819, MeSH D009447, MONDO:0005072, HP:0003006.

Allele frequency attached by ClinVar (database versions not stated): 1000 Genomes Project 0.00120; 1000 Genomes Project 30x 0.00125; gnomAD 0.00185 and 0.00193; gnomAD exomes 0.00191 and 0.00309; ESP Exome Variant Server 0.00192; TOPMed 0.00208; ExAC 0.00270.

Submissions (5):

CeGaT Center for Human Genetics Tuebingen
Classification: Likely benign. Last evaluated: 2026-09-01. Review status: criteria provided, single submitter. Criteria: CeGaT Center For Human Genetics Tuebingen Variant Classification Criteria Version 2. Collection method: clinical testing. Allele origin: germline. Affected: yes. Observed: 55 variant alleles.
Comment: KIF1B: BS2

Illumina Laboratory Services, Illumina
Classification: Benign for Neuroblastoma. Last evaluated: 2018-01-13. Review status: criteria provided, single submitter. Criteria: ICSL Variant Classification Criteria 13 December 2019. Collection method: clinical testing. Allele origin: germline.
Comment: This variant was observed in the ICSL laboratory as part of a predisposition screen in an ostensibly healthy population. It had not been previously curated by ICSL or reported in the Human Gene Mutation Database (HGMD: prior to June 1st, 2018), and was therefore a candidate for classification through an automated scoring system. Utilizing variant allele frequency, disease prevalence and penetrance estimates, and inheritance mode, an automated score was calculated to assess if this variant is too frequent to cause the disease. Based on the score and internal cut-off values, a variant classified as benign is not then subjected to further curation. The score for this variant resulted in a classification of benign for this disease.

Breakthrough Genomics
Classification: Likely benign. Review status: criteria provided, single submitter. Criteria: ACMG Guidelines, 2015. Collection method: not provided. Allele origin: germline. Inheritance: Autosomal dominant inheritance. Affected: yes.

Molecular Genetics Laboratory, London Health Sciences Centre
Classification: Likely benign for Charcot-Marie-Tooth disease. Review status: criteria provided, single submitter. Criteria: ACMG Guidelines, 2015. Collection method: clinical testing. Allele origin: germline. Affected: yes.

PreventionGenetics, part of Exact Sciences
Classification: Benign for KIF1B-related condition. Last evaluated: 2019-04-29. Review status: no assertion criteria provided. Collection method: clinical testing. Allele origin: germline. Not counted in ClinVar's aggregate classification.
Comment: This variant is classified as benign based on ACMG/AMP sequence variant interpretation guidelines (Richards et al. 2015 PMID: 25741868, with internal and published modifications).

NM_001365951.3(KIF1B):c.*2T>C

Gene: KIF1B (kinesin family member 1B; plus strand). Cytogenetic location: 1p36.22.
Variant type: single nucleotide variant.
Coding change: c.*2T>C on transcript NM_001365951.3 (MANE Select); 2 bases downstream of the stop codon, T replaced by C.
Molecular consequence: 3 prime UTR variant.
Genome position (GRCh38, 1-based): chr1:10,376,589, T>C. VCF-style: chr1-10376589-T-C. GRCh37 (hg19) VCF-style: chr1-10436647-T-C.
Other names: c.*2T>C (NM_001365952.1, NM_015074.3).
Identifiers: ClinVar variation 291585 (VCV000291585.40), dbSNP rs148690591, ClinGen allele CA582360.